The following is an entry in ClinVar:

NM_020988.3(GNAO1):c.810C>A (p.Asn270Lys)

Gene: GNAO1 (G protein subunit alpha o1; plus strand). Cytogenetic location: 16q13.
Variant type: single nucleotide variant.
Coding change: c.810C>A on transcript NM_020988.3 (MANE Select); coding-DNA position 810, C replaced by A.
Protein change: p.Asn270Lys; replaces asparagine 270 with lysine.
Molecular consequence: missense variant.
Genome position (GRCh38, 1-based): chr16:56,351,470, C>A. VCF-style: chr16-56351470-C-A. GRCh37 (hg19) VCF-style: chr16-56385382-C-A.
Other names: short protein forms N270K.
Identifiers: ClinVar variation 1012173 (VCV001012173.3), dbSNP rs2143699686, ClinGen allele CA395954780.

ClinVar aggregate classification (germline): Pathogenic. Review status: criteria provided, single submitter (1 of 4 stars). 2 submissions from 2 submitters: Pathogenic (1). 1 of the submissions does not count toward it. Last evaluated 2023-12-28.

Conditions:
Developmental and epileptic encephalopathy, 17 (DEE17). Also called: Early infantile epileptic encephalopathy 17. Identifiers: Orphanet 1934, MedGen C3809606, MONDO:0014199, OMIM 615473.
Neurodevelopmental disorder with involuntary movements (NEDIM). Identifiers: Orphanet 592564, MedGen C4479569, MONDO:0060491, OMIM 617493.

Submissions (2):

GeneDx
Classification: Pathogenic. Last evaluated: 2023-12-28. Review status: criteria provided, single submitter. Criteria: GeneDx Variant Classification Process June 2021. Collection method: clinical testing. Allele origin: germline. Affected: yes.
Comment: In silico analysis supports that this missense variant has a deleterious effect on protein structure/function; Not observed at significant frequency in large population cohorts (gnomAD); This variant is associated with the following publications: (PMID: 35782616, 34122306)

Pediatric Department, Peking University First Hospital
Classification: Likely pathogenic for Developmental and epileptic encephalopathy, 17; Neurodevelopmental disorder with involuntary movements. Last evaluated: 2021-02-03. Review status: no assertion criteria provided. Collection method: clinical testing. Allele origin: de novo. Affected: yes. Not counted in ClinVar's aggregate classification.